The following is an entry in ClinVar:

NM_002637.4(PHKA1):c.3101G>A (p.Ser1034Asn)

Gene: PHKA1 (phosphorylase kinase regulatory subunit alpha 1; minus strand). Cytogenetic location: Xq13.1.
Variant type: single nucleotide variant.
Coding change: c.3101G>A on transcript NM_002637.4 (MANE Select); coding-DNA position 3101, G replaced by A.
Protein change: p.Ser1034Asn; replaces serine 1034 with asparagine.
Molecular consequence: missense variant.
Genome position (GRCh38, 1-based): chrX:72,593,246, C>T on the plus strand (G>A on the coding strand, the complement: PHKA1 is on the minus strand). VCF-style: chrX-72593246-C-T. GRCh37 (hg19) VCF-style: chrX-71813096-C-T.
Other names: c.3062G>A, p.Ser1021Asn (NM_001122670.2); c.2885G>A, p.Ser962Asn (NM_001172436.2); short protein forms S962N, S1021N, S1034N.
Identifiers: ClinVar variation 1989390 (VCV001989390.28), dbSNP rs2052546170, ClinGen allele CA413585279.

ClinVar aggregate classification (germline): Uncertain significance. Review status: criteria provided, multiple submitters, no conflicts (2 of 4 stars). 2 submissions from 2 submitters: Uncertain significance (2). Last evaluated 2024-11-01.

Conditions:
Glycogen storage disease IXd (GSD9D). Also called: GSD IXd; Muscle Phosphorylase Kinase Deficiency. Identifiers: Orphanet 715, MedGen C1845151, MONDO:0010362, OMIM 300559.

Allele frequency attached by ClinVar (database versions not stated): gnomAD exomes below 0.00001; TOPMed below 0.00001.
gnomAD v4.1: 2 of 1,205,433 alleles (0.00017%); highest among the groups gnomAD compares: Middle Eastern, 0.023%; no homozygotes.

Submissions (2):

CeGaT Center for Human Genetics Tuebingen
Classification: Uncertain significance. Last evaluated: 2024-11-01. Review status: criteria provided, single submitter. Criteria: CeGaT Center For Human Genetics Tuebingen Variant Classification Criteria Version 2. Collection method: clinical testing. Allele origin: germline. Affected: yes. Observed: 2 variant alleles.
Comment: PHKA1: PM2

Labcorp Genetics (formerly Invitae), Labcorp
Classification: Uncertain significance for Glycogen storage disease IXd. Last evaluated: 2022-09-19. Review status: criteria provided, single submitter. Criteria: Invitae Variant Classification Sherloc (09022015). Collection method: clinical testing. Allele origin: germline.
Comment: Algorithms developed to predict the effect of missense changes on protein structure and function output the following: SIFT: "Tolerated"; PolyPhen-2: "Benign"; Align-GVGD: "Class C0". The asparagine amino acid residue is found in multiple mammalian species, which suggests that this missense change does not adversely affect protein function. In summary, the available evidence is currently insufficient to determine the role of this variant in disease. Therefore, it has been classified as a Variant of Uncertain Significance. This variant has not been reported in the literature in individuals affected with PHKA1-related conditions. This variant is not present in population databases (gnomAD no frequency). This sequence change replaces serine, which is neutral and polar, with asparagine, which is neutral and polar, at codon 1034 of the PHKA1 protein (p.Ser1034Asn).